The following is an entry in ClinVar:

ClinVar aggregate classification (germline): Likely benign (1 of 4 stars; one submission).

Allele frequency attached by ClinVar (database versions not stated): gnomAD exomes 0.00001.
gnomAD v4.1: 3 of 1,614,124 alleles (0.00019%); highest among the groups gnomAD compares: East Asian, 0.0067%; no homozygotes.

Submission:

CeGaT Center for Human Genetics Tuebingen
Classification: Likely benign. Last evaluated: 2023-05-01. Review status: criteria provided, single submitter. Criteria: CeGaT Center For Human Genetics Tuebingen Variant Classification Criteria Version 2. Collection method: clinical testing. Allele origin: germline. Affected: yes. Observed: 1 variant allele.
Comment: ATN1: PM2:Supporting, BP4, BP7

NM_001940.4(ATN1):c.2709A>G (p.Pro903=)

Gene: ATN1 (atrophin 1; plus strand). Cytogenetic location: 12p13.31.
Variant type: single nucleotide variant.
Coding change: c.2709A>G on transcript NM_001940.4 (MANE Select); coding-DNA position 2709, A replaced by G.
Protein change: p.Pro903=; no amino-acid change (proline 903 retained).
Molecular consequence: synonymous variant.
Genome position (GRCh38, 1-based): chr12:6,938,672, A>G. VCF-style: chr12-6938672-A-G. GRCh37 (hg19) VCF-style: chr12-7047835-A-G.
Other names: c.2709A>G, p.Pro903= (NM_001424176.1, NM_001424177.1, NM_001424178.1 and 1 more transcripts); c.2706A>G, p.Pro902= (NM_001424179.1, NM_001424180.1); c.2688A>G, p.Pro896= (NM_001424181.1); c.2685A>G, p.Pro895= (NM_001424182.1).
Identifiers: ClinVar variation 2642655 (VCV002642655.24), dbSNP rs2542637358, ClinGen allele CA478519648.
Genomic context (GRCh38, chr12:6,938,672, plus strand): 5'-GCGCACTCTCAGTGAATATGCCCGGCCTCATGTCATGTCTCCTGGCAATCGCAACCATCC[A>G]TTCTACGTGCCCCTGGGGGCAGTGGACCCGGGGCTCCTGGGTTACAATGTCCCGGCCCTG-3'
Protein context (NP_001931.2, residues 893-913): HVMSPGNRNH[Pro903=]FYVPLGAVDP